The following is an entry in ClinVar:

NC_012920.1(MT-TA):m.5603C>T

Gene: MT-TA (mitochondrially encoded tRNA alanine; minus strand).
Variant type: single nucleotide variant.
Genome position: chrM-5603-C-T.
Identifiers: ClinVar variation 689953 (VCV000689953.1), dbSNP rs369496446, ClinGen allele CA337097200.

ClinVar aggregate classification (germline): Benign (1 of 4 stars; one submission).

Conditions:
MELAS syndrome (MELAS). Also called: Juvenile myopathy, encephalopathy, lactic acidosis, stroke. Identifiers: Orphanet 550, MedGen C0162671, MONDO:0010789, OMIM 540000.

Submission:

Wong Mito Lab, Molecular and Human Genetics, Baylor College of Medicine
Classification: Benign for MELAS syndrome. Last evaluated: 2019-07-12. Review status: criteria provided, single submitter. Criteria: Modified ACMG Guidelines (Unpublished). Collection method: clinical testing. Allele origin: germline.
Comment: The NC_012920.1:m.5603C>T variant in MT-TA gene is interpreted to be a Benign variant based on the modified ACMG guidelines (unpublished). This variant meets the following evidence codes reported in the guidelines: BS1, BS2, BP4

Literature cited by the submitters: PubMed 31965079.